The following is an entry in ClinVar:

ClinVar aggregate classification (germline): Benign/Likely benign. Review status: criteria provided, multiple submitters, no conflicts (2 of 4 stars). 2 submissions from 2 submitters: Benign (1); Likely benign (1). Last evaluated 2018-01-12.

Conditions:
Qualitative or quantitative defects of delta-sarcoglycan. Identifiers: Orphanet 207070, MedGen C5680806, MONDO:0016144.

Allele frequency attached by ClinVar (database versions not stated): gnomAD exomes 0.04260; gnomAD 0.08930 and 0.09173; TOPMed 0.09876; 1000 Genomes Project 0.09984; 1000 Genomes Project 30x 0.10275.
gnomAD v4.1: 13,568 of 152,612 alleles (8.9%); highest among the groups gnomAD compares: African/African-American, 18%; 904 homozygotes.

Submissions (2):

Illumina Laboratory Services, Illumina
Classification: Benign for Qualitative or quantitative defects of delta-sarcoglycan. Last evaluated: 2018-01-12. Review status: criteria provided, single submitter. Criteria: ICSL Variant Classification Criteria 13 December 2019. Collection method: clinical testing. Allele origin: germline.
Comment: This variant was observed in the ICSL laboratory as part of a predisposition screen in an ostensibly healthy population. It had not been previously curated by ICSL or reported in the Human Gene Mutation Database (HGMD: prior to June 1st, 2018), and was therefore a candidate for classification through an automated scoring system. Utilizing variant allele frequency, disease prevalence and penetrance estimates, and inheritance mode, an automated score was calculated to assess if this variant is too frequent to cause the disease. Based on the score and internal cut-off values, a variant classified as benign is not then subjected to further curation. The score for this variant resulted in a classification of benign for this disease.

Breakthrough Genomics
Classification: Likely benign. Review status: criteria provided, single submitter. Criteria: ACMG Guidelines, 2015. Collection method: not provided. Allele origin: germline. Inheritance: Autosomal recessive inheritance. Affected: yes.

NM_000337.6(SGCD):c.*5114C>T

Gene: SGCD (sarcoglycan delta; plus strand). Cytogenetic location: 5q33.3.
Variant type: single nucleotide variant.
Coding change: c.*5114C>T on transcript NM_000337.6 (MANE Select); 5114 bases downstream of the stop codon, C replaced by T.
Molecular consequence: 3 prime UTR variant.
Genome position (GRCh38, 1-based): chr5:156,764,504, C>T. VCF-style: chr5-156764504-C-T. GRCh37 (hg19) VCF-style: chr5-156191515-C-T.
Other names: c.*5114C>T (NM_001128209.2).
Identifiers: ClinVar variation 352401 (VCV000352401.7), dbSNP rs3913482, ClinGen allele CA10623869.